The following is an entry in ClinVar:

NM_006231.4(POLE):c.1415A>G (p.Lys472Arg)

Gene: POLE (DNA polymerase epsilon, catalytic subunit; minus strand). Cytogenetic location: 12q24.33.
Variant type: single nucleotide variant.
Coding change: c.1415A>G on transcript NM_006231.4 (MANE Select); coding-DNA position 1415, A replaced by G.
Protein change: p.Lys472Arg; replaces lysine 472 with arginine.
Molecular consequence: missense variant.
Genome position (GRCh38, 1-based): chr12:132,673,222, T>C on the plus strand (A>G on the coding strand, the complement: POLE is on the minus strand). VCF-style: chr12-132673222-T-C. GRCh37 (hg19) VCF-style: chr12-133249808-T-C.
Other names: short protein forms K472R.
Identifiers: ClinVar variation 1772114 (VCV001772114.6), dbSNP rs2135996322, ClinGen allele CA387358457.

ClinVar aggregate classification (germline): Uncertain significance. Review status: criteria provided, multiple submitters, no conflicts (2 of 4 stars). 2 submissions from 2 submitters: Uncertain significance (2). Last evaluated 2026-01-15.

Conditions:
Hereditary cancer-predisposing syndrome. Also called: Tumor predisposition; Hereditary Cancer Syndrome; Hereditary neoplastic syndrome; Neoplastic Syndromes, Hereditary. Identifiers: Orphanet 140162, MedGen C0027672, MeSH D009386, MONDO:0015356.

Submissions (2):

Ambry Genetics
Classification: Uncertain significance for Hereditary cancer-predisposing syndrome. Last evaluated: 2026-01-15. Review status: criteria provided, single submitter. Criteria: Ambry Variant Classification Scheme 2023. Collection method: clinical testing. Allele origin: germline.
Comment: The p.K472R variant (also known as c.1415A>G), located in coding exon 14 of the POLE gene, results from an A to G substitution at nucleotide position 1415. The lysine at codon 472 is replaced by arginine, an amino acid with highly similar properties. This amino acid position is highly conserved in available vertebrate species. In addition, the in silico prediction for this alteration is inconclusive. Based on the available evidence, the clinical significance of this variant remains unclear.

Labcorp Genetics (formerly Invitae), Labcorp
Classification: Uncertain significance. Last evaluated: 2023-10-28. Review status: criteria provided, single submitter. Criteria: Invitae Variant Classification Sherloc (09022015). Collection method: clinical testing. Allele origin: germline.
Comment: This sequence change replaces lysine, which is basic and polar, with arginine, which is basic and polar, at codon 472 of the POLE protein (p.Lys472Arg). This variant is not present in population databases (gnomAD no frequency). This variant has not been reported in the literature in individuals affected with POLE-related conditions. ClinVar contains an entry for this variant (Variation ID: 1772114). Advanced modeling of protein sequence and biophysical properties (such as structural, functional, and spatial information, amino acid conservation, physicochemical variation, residue mobility, and thermodynamic stability) performed at Invitae indicates that this missense variant is expected to disrupt POLE protein function with a positive predictive value of 80%. Algorithms developed to predict the effect of sequence changes on RNA splicing suggest that this variant may disrupt the consensus splice site. In summary, the available evidence is currently insufficient to determine the role of this variant in disease. Therefore, it has been classified as a Variant of Uncertain Significance.